The following is an entry in ClinVar:

NM_006567.5(FARS2):c.1110G>A (p.Trp370Ter)

Gene: FARS2 (phenylalanyl-tRNA synthetase 2, mitochondrial; plus strand). Cytogenetic location: 6p25.1.
Variant type: single nucleotide variant.
Coding change: c.1110G>A on transcript NM_006567.5 (MANE Select); coding-DNA position 1110, G replaced by A.
Protein change: p.Trp370Ter; replaces tryptophan 370 with a stop codon.
Molecular consequence: nonsense.
Genome position (GRCh38, 1-based): chr6:5,613,213, G>A. VCF-style: chr6-5613213-G-A. GRCh37 (hg19) VCF-style: chr6-5613446-G-A.
Other names: c.1110G>A, p.Trp370Ter (NM_001318872.2, NM_001374875.1, NM_001374876.1 and 4 more transcripts); c.978G>A, p.Trp326Ter (NM_001375258.1); c.414G>A, p.Trp138Ter (NM_001375259.1, NM_001375260.1); short protein forms W370*, W326*, W138*.
Identifiers: ClinVar variation 2134155 (VCV002134155.4), dbSNP rs1341083602, ClinGen allele CA362736844.

ClinVar aggregate classification (germline): Pathogenic (1 of 4 stars; one submission).

Conditions:
Combined oxidative phosphorylation defect type 14. Also called: Combined oxidative phosphorylation deficiency 14. Identifiers: Orphanet 319519, MedGen C4755312, MONDO:0013986, OMIM 614946.

Allele frequency attached by ClinVar (database versions not stated): gnomAD 0.00001; TOPMed 0.00001.
gnomAD v4.1: 1 of 1,613,018 alleles (0.000062%); highest among the groups gnomAD compares: Non-Finnish European, 0.000085%; no homozygotes.

Submission:

Labcorp Genetics (formerly Invitae), Labcorp
Classification: Pathogenic for Combined oxidative phosphorylation defect type 14. Last evaluated: 2025-08-11. Review status: criteria provided, single submitter. Criteria: Invitae Variant Classification Sherloc (09022015). Collection method: clinical testing. Allele origin: germline.
Comment: This sequence change creates a premature translational stop signal (p.Trp370*) in the FARS2 gene. It is expected to result in an absent or disrupted protein product. Loss-of-function variants in FARS2 are known to be pathogenic (PMID: 22833457). This variant is not present in population databases (gnomAD no frequency). This variant has not been reported in the literature in individuals affected with FARS2-related conditions. ClinVar contains an entry for this variant (Variation ID: 2134155). For these reasons, this variant has been classified as Pathogenic.

Literature cited by the submitters: PubMed 22833457.